The following is an entry in ClinVar:

NM_002109.6(HARS1):c.664G>A (p.Ala222Thr)

Gene: HARS1 (histidyl-tRNA synthetase 1; minus strand). Cytogenetic location: 5q31.3.
Variant type: single nucleotide variant.
Coding change: c.664G>A on transcript NM_002109.6 (MANE Select); coding-DNA position 664, G replaced by A.
Protein change: p.Ala222Thr; replaces alanine 222 with threonine.
Molecular consequence: missense variant.
Genome position (GRCh38, 1-based): chr5:140,677,720, C>T on the plus strand (G>A on the coding strand, the complement: HARS1 is on the minus strand). VCF-style: chr5-140677720-C-T. GRCh37 (hg19) VCF-style: chr5-140057305-C-T.
Other names: c.544G>A, p.Ala182Thr (NM_001258040.3); c.604G>A, p.Ala202Thr (NM_001258041.3); c.484G>A, p.Ala162Thr (NM_001258042.3); c.442G>A, p.Ala148Thr (NM_001289092.2); c.322G>A, p.Ala108Thr (NM_001289093.2); c.577G>A, p.Ala193Thr (NM_001289094.2); short protein forms A148T, A193T, A222T, A108T, A202T, A162T, A182T.
Identifiers: ClinVar variation 1998681 (VCV001998681.4), dbSNP rs2481256559, ClinGen allele CA361255028.

ClinVar aggregate classification (germline): Uncertain significance (1 of 4 stars; one submission).

Conditions:
Usher syndrome type 3B. Also called: USHER SYNDROME, TYPE IIIB. Identifiers: MedGen C3281066, MONDO:0013788, OMIM 614504.

Submission:

Labcorp Genetics (formerly Invitae), Labcorp
Classification: Uncertain significance for Usher syndrome type 3B. Last evaluated: 2022-05-25. Review status: criteria provided, single submitter. Criteria: Invitae Variant Classification Sherloc (09022015). Collection method: clinical testing. Allele origin: germline.
Comment: In summary, the available evidence is currently insufficient to determine the role of this variant in disease. Therefore, it has been classified as a Variant of Uncertain Significance. Algorithms developed to predict the effect of missense changes on protein structure and function (SIFT, PolyPhen-2, Align-GVGD) all suggest that this variant is likely to be tolerated. This variant has not been reported in the literature in individuals affected with HARS-related conditions. This variant is not present in population databases (gnomAD no frequency). This sequence change replaces alanine, which is neutral and non-polar, with threonine, which is neutral and polar, at codon 222 of the HARS protein (p.Ala222Thr).